The following is an entry in ClinVar:

NM_014915.3(ANKRD26):c.1760G>A (p.Ser587Asn)

Gene: ANKRD26 (ankyrin repeat domain containing 26; minus strand). Cytogenetic location: 10p12.1.
Variant type: single nucleotide variant.
Coding change: c.1760G>A on transcript NM_014915.3 (MANE Select); coding-DNA position 1760, G replaced by A.
Protein change: p.Ser587Asn; replaces serine 587 with asparagine.
Molecular consequence: missense variant.
Genome position (GRCh38, 1-based): chr10:27,048,855, C>T on the plus strand (G>A on the coding strand, the complement: ANKRD26 is on the minus strand). VCF-style: chr10-27048855-C-T. GRCh37 (hg19) VCF-style: chr10-27337784-C-T.
Other names: c.1760G>A, p.Ser587Asn (NM_001256053.2); short protein forms S587N.
Identifiers: ClinVar variation 3912319 (VCV003912319.1).
Genomic context (GRCh38, chr10:27,048,855, plus strand): 5'-GCTTACCTAGCATACTCTTTATTTTCCTTCCTGGGAAATTGCTGATGATCAGTTTCTCCA[C>T]TCTTTCTTTTTTGAATTAATCCATCATCATCATCATCATCTTCAGCATCATCAGTAGCAC-3'
Protein context (NP_055730.2, residues 577-597): DDDGLIQKRK[Ser587Asn]GETDHQQFPR

ClinVar aggregate classification (germline): Uncertain significance (1 of 4 stars; one submission).

Conditions:
Inborn genetic diseases. Identifiers: MedGen C0950123, MeSH D030342.

Submission:

Ambry Genetics
Classification: Uncertain significance for Inborn genetic diseases. Last evaluated: 2025-04-18. Review status: criteria provided, single submitter. Criteria: Ambry Variant Classification Scheme 2023. Collection method: clinical testing. Allele origin: germline.
Comment: The p.S587N variant (also known as c.1760G>A), located in coding exon 17 of the ANKRD26 gene, results from a G to A substitution at nucleotide position 1760. The serine at codon 587 is replaced by asparagine, an amino acid with highly similar properties. This amino acid position is conserved. In addition, this alteration is predicted to be tolerated by in silico analysis. Based on the available evidence, the clinical significance of this variant remains unclear.